The following is an entry in ClinVar:

ClinVar aggregate classification (germline): Uncertain significance (1 of 4 stars; one submission).

Allele frequency attached by ClinVar (database versions not stated): gnomAD exomes below 0.00001.
gnomAD v4.1: 1 of 1,611,356 alleles (0.000062%); highest among the groups gnomAD compares: Admixed American, 0.0017%; no homozygotes.

Submission:

Ambry Genetics
Classification: Uncertain significance. Last evaluated: 2023-08-05. Review status: criteria provided, single submitter. Criteria: Ambry Variant Classification Scheme 2023. Collection method: clinical testing. Allele origin: germline.
Comment: The p.K630M variant (also known as c.1889A>T), located in coding exon 17 of the RAD54L gene, results from an A to T substitution at nucleotide position 1889. The lysine at codon 630 is replaced by methionine, an amino acid with similar properties. This amino acid position is conserved. In addition, this alteration is predicted to be deleterious by in silico analysis. Since supporting evidence is limited at this time, the clinical significance of this alteration remains unclear.

NM_003579.4(RAD54L):c.1889A>T (p.Lys630Met)

Genes: LRRC41 (leucine rich repeat containing 41; minus strand), RAD54L (RAD54 like; plus strand). Cytogenetic location: 1p34.1.
Variant type: single nucleotide variant.
Coding change: c.1889A>T on transcript NM_003579.4 (MANE Select); coding-DNA position 1889, A replaced by T.
Protein change: p.Lys630Met; replaces lysine 630 with methionine.
Molecular consequence: missense variant. On other transcripts: 3 prime UTR variant (1).
Genome position (GRCh38, 1-based): chr1:46,277,836, A>T. VCF-style: chr1-46277836-A-T. GRCh37 (hg19) VCF-style: chr1-46743508-A-T.
Other names: c.*1029T>A (NM_006369.5); c.1889A>T, p.Lys630Met (NM_001142548.2); c.1349A>T, p.Lys450Met (NM_001370766.1); short protein forms K630M, K450M.
Identifiers: ClinVar variation 2625160 (VCV002625160.2), dbSNP rs1457825036, ClinGen allele CA340188949.
Genomic context (GRCh38, chr1:46,277,836, plus strand): 5'-AGCGCTGTATCTTTTGACATTCCCCACCTCCTCTTCCCCAGGCAGGGACCATTGAGGAGA[A>T]GATCTTCCAGCGTCAGAGCCACAAGAAGGCACTGAGCAGCTGTGTGGTGGATGAGGAGCA-3'
Protein context (NP_003570.2, residues 620-640): RLLSAGTIEE[Lys630Met]IFQRQSHKKA